The following is an entry in ClinVar:

NM_000520.6(HEXA):c.271G>T (p.Glu91Ter)

Gene: HEXA (hexosaminidase subunit alpha; minus strand). Cytogenetic location: 15q23.
Variant type: single nucleotide variant.
Coding change: c.271G>T on transcript NM_000520.6 (MANE Select); coding-DNA position 271, G replaced by T.
Protein change: p.Glu91Ter; replaces glutamic acid 91 with a stop codon.
Molecular consequence: nonsense. On other transcripts: non-coding transcript variant (1).
Genome position (GRCh38, 1-based): chr15:72,356,600, C>A on the plus strand (G>T on the coding strand, the complement: HEXA is on the minus strand). VCF-style: chr15-72356600-C-A. GRCh37 (hg19) VCF-style: chr15-72648941-C-A.
Other names: c.304G>T, p.Glu102Ter (NM_001318825.2); short protein forms E102*, E91*.
Identifiers: ClinVar variation 4814258 (VCV004814258.1).

ClinVar aggregate classification (germline): Pathogenic (1 of 4 stars; one submission).

Conditions:
Tay-Sachs disease (TSD). Also called: HEXA DEFICIENCY; HEXA Disorders; GM2 gangliosidosis, type 1; Hexosaminidase alpha-subunit deficiency (variant B); Sphingolipidosis, Tay-Sachs; Hexosaminidase A Deficiency. Identifiers: Orphanet 845, MedGen C0039373, MONDO:0010100, OMIM 272800.

Submission:

Natera, Inc.
Classification: Pathogenic for Tay-Sachs disease. Last evaluated: 2024-07-05. Review status: criteria provided, single submitter. Criteria: Natera Variant Classification Schema (03/2026). Collection method: clinical testing. Allele origin: germline.
Comment: The c.271G>T variant in HEXA is a nonsense variant predicted to introduce a stop codon at amino acid 91. This variant is expected to result in nonsense mediated decay, truncation, or a dysfunctional protein product. This variant is rare in the general population with a frequency below the threshold expected for the associated phenotype(s). This variant has been observed in one or more individuals affected with the associated recessive disease, as either homozygous or compound heterozygous with a second variant (PMID: 31388111). Given the available evidence, this variant is classified as Pathogenic.

Literature cited by the submitters: PubMed 31388111.